The following is an entry in ClinVar:

NM_007348.4(ATF6):c.1520C>A (p.Thr507Asn)

Gene: ATF6 (activating transcription factor 6; plus strand). Cytogenetic location: 1q23.3.
Variant type: single nucleotide variant.
Coding change: c.1520C>A on transcript NM_007348.4 (MANE Select); coding-DNA position 1520, C replaced by A.
Protein change: p.Thr507Asn; replaces threonine 507 with asparagine.
Molecular consequence: missense variant.
Genome position (GRCh38, 1-based): chr1:161,853,310, C>A. VCF-style: chr1-161853310-C-A. GRCh37 (hg19) VCF-style: chr1-161823100-C-A.
Other names: c.1520C>A (NM_007348.3); short protein forms T507N.
Identifiers: ClinVar variation 1018100 (VCV001018100.4), dbSNP rs201415050, ClinGen allele CA1214491.
Genomic context (GRCh38, chr1:161,853,310, plus strand): 5'-TTCATAGACATGAAGTAGAAAGGACCAAGTCAAGAAGAATGACAAATAATCAACAGAAAA[C>A]CCGTATTCTTCAGGTATGTTTCTGTTTGTCTTTGAACAATAGTTGGCGTATTTGTTGGAA-3'
Protein context (NP_031374.2, residues 497-517): SRRMTNNQQK[Thr507Asn]RILQGALEQG

ClinVar aggregate classification (germline): Uncertain significance. Review status: criteria provided, multiple submitters, no conflicts (2 of 4 stars). 2 submissions from 2 submitters: Uncertain significance (2). Last evaluated 2025-04-28.

Conditions:
Inborn genetic diseases. Identifiers: MedGen C0950123, MeSH D030342.

Allele frequency attached by ClinVar (database versions not stated): ExAC 0.00004; gnomAD 0.00006 and 0.00008; gnomAD exomes 0.00006 and 0.00007; ESP Exome Variant Server 0.00008; TOPMed 0.00009.
gnomAD v4.1: 114 of 1,611,816 alleles (0.0071%); highest among the groups gnomAD compares: Non-Finnish European, 0.0094%; no homozygotes.

Submissions (2):

Labcorp Genetics (formerly Invitae), Labcorp
Classification: Uncertain significance. Last evaluated: 2025-04-28. Review status: criteria provided, single submitter. Criteria: Invitae Variant Classification Sherloc (09022015). Collection method: clinical testing. Allele origin: germline.
Comment: This sequence change replaces threonine, which is neutral and polar, with asparagine, which is neutral and polar, at codon 507 of the ATF6 protein (p.Thr507Asn). This variant is present in population databases (rs201415050, gnomAD 0.01%). This variant has not been reported in the literature in individuals affected with ATF6-related conditions. ClinVar contains an entry for this variant (Variation ID: 1018100). Invitae Evidence Modeling of protein sequence and biophysical properties (such as structural, functional, and spatial information, amino acid conservation, physicochemical variation, residue mobility, and thermodynamic stability) indicates that this missense variant is not expected to disrupt ATF6 protein function with a negative predictive value of 80%. In summary, the available evidence is currently insufficient to determine the role of this variant in disease. Therefore, it has been classified as a Variant of Uncertain Significance.

Ambry Genetics
Classification: Uncertain significance for Inborn genetic diseases. Last evaluated: 2024-01-08. Review status: criteria provided, single submitter. Criteria: Ambry Variant Classification Scheme 2023. Collection method: clinical testing. Allele origin: germline.